The following is an entry in ClinVar:

NM_015459.5(ATL3):c.774C>T (p.Ser258=)

Genes: ATL3 (atlastin GTPase 3; minus strand), LNCROPM (lncRNA regulator of PLAAT3 mediated phospholipid metabolism; plus strand). Cytogenetic location: 11q13.1.
Variant type: single nucleotide variant.
Coding change: c.774C>T on transcript NM_015459.5 (MANE Select); coding-DNA position 774, C replaced by T.
Protein change: p.Ser258=; no amino-acid change (serine 258 retained).
Molecular consequence: synonymous variant.
Genome position (GRCh38, 1-based): chr11:63,643,433, G>A on the plus strand (C>T on the coding strand, the complement: ATL3 is on the minus strand). VCF-style: chr11-63643433-G-A. GRCh37 (hg19) VCF-style: chr11-63410905-G-A.
Other names: c.720C>T, p.Ser240= (NM_001290048.2); c.774C>T (NM_015459.4).
Identifiers: ClinVar variation 2851199 (VCV002851199.6), dbSNP rs61745653, ClinGen allele CA6063685.

ClinVar aggregate classification (germline): Conflicting classifications of pathogenicity. Review status: criteria provided, conflicting classifications (1 of 4 stars). 3 submissions from 3 submitters: Uncertain significance (1); Likely benign (2). Last evaluated 2026-04-16.

Conditions:
ATL3-related disorder. Also called: ATL3-related condition.
Neuropathy, hereditary sensory, type 1F. Also called: HSN IF; Hereditary sensory neuropathy type IF. Identifiers: Orphanet 36386, MedGen C3810194, MONDO:0014286, OMIM 615632.

Allele frequency attached by ClinVar (database versions not stated): TOPMed 0.00003; gnomAD exomes 0.00004; gnomAD 0.00005; ExAC 0.00012; ESP Exome Variant Server 0.00025.
gnomAD v4.1: 64 of 1,612,406 alleles (0.004%); highest among the groups gnomAD compares: Middle Eastern, 0.033%; no homozygotes.

Submissions (3):

GeneDx
Classification: Uncertain significance. Last evaluated: 2026-04-16. Review status: criteria provided, single submitter. Criteria: GeneDx Variant Classification Process June 2021. Collection method: clinical testing. Allele origin: germline.
Comment: Has not been previously published as pathogenic or benign to our knowledge; In silico analysis suggests this variant may impact gene splicing. In the absence of RNA/functional studies, the actual effect of this sequence change is unknown.

Labcorp Genetics (formerly Invitae), Labcorp
Classification: Likely benign for Neuropathy, hereditary sensory, type 1F. Last evaluated: 2025-12-06. Review status: criteria provided, single submitter. Criteria: Invitae Variant Classification Sherloc (09022015). Collection method: clinical testing. Allele origin: germline.

PreventionGenetics, part of Exact Sciences
Classification: Likely benign for ATL3-related condition. Last evaluated: 2025-06-20. Review status: criteria provided, single submitter. Criteria: ACMG Guidelines, 2015. Collection method: clinical testing. Allele origin: germline.
Comment: This variant is classified as likely benign based on ACMG/AMP sequence variant interpretation guidelines (Richards et al. 2015 PMID: 25741868, with internal and published modifications).